The following is an entry in ClinVar:

NM_004996.4(ABCC1):c.3308G>A (p.Gly1103Asp)

Gene: ABCC1 (ATP binding cassette subfamily C member 1 (ABCC1 blood group); plus strand). Cytogenetic location: 16p13.11.
Variant type: single nucleotide variant.
Coding change: c.3308G>A on transcript NM_004996.4 (MANE Select); coding-DNA position 3308, G replaced by A.
Protein change: p.Gly1103Asp; replaces glycine 1103 with aspartic acid.
Molecular consequence: missense variant.
Genome position (GRCh38, 1-based): chr16:16,114,994, G>A. VCF-style: chr16-16114994-G-A. GRCh37 (hg19) VCF-style: chr16-16208851-G-A.
Other names: c.3131G>A, p.Gly1044Asp (NM_019862.3); short protein forms G1044D, G1103D.
Identifiers: ClinVar variation 3033652 (VCV003033652.8), dbSNP rs182118381, ClinGen allele CA7924601.

ClinVar aggregate classification (germline): Likely benign. Review status: criteria provided, single submitter (1 of 4 stars). 2 submissions from 2 submitters: Likely benign (1). 1 of the submissions does not count toward it. Last evaluated 2025-10-01.

Conditions:
ABCC1-related disorder. Also called: ABCC1-related condition.

Allele frequency attached by ClinVar (database versions not stated): 1000 Genomes Project 0.00040; 1000 Genomes Project 30x 0.00047; gnomAD 0.00096; ExAC 0.00110; gnomAD exomes 0.00129; ESP Exome Variant Server 0.00140.
gnomAD v4.1: 2,016 of 1,614,174 alleles (0.12%); highest among the groups gnomAD compares: Non-Finnish European, 0.15%; 5 homozygotes.

Submissions (2):

CeGaT Center for Human Genetics Tuebingen
Classification: Likely benign. Last evaluated: 2025-10-01. Review status: criteria provided, single submitter. Criteria: CeGaT Center For Human Genetics Tuebingen Variant Classification Criteria Version 2. Collection method: clinical testing. Allele origin: germline. Affected: yes. Observed: 1 variant allele.
Comment: ABCC1: BS1

PreventionGenetics, part of Exact Sciences
Classification: Likely benign for ABCC1-related condition. Last evaluated: 2022-02-28. Review status: no assertion criteria provided. Collection method: clinical testing. Allele origin: germline. Not counted in ClinVar's aggregate classification.
Comment: This variant is classified as likely benign based on ACMG/AMP sequence variant interpretation guidelines (Richards et al. 2015 PMID: 25741868, with internal and published modifications).